The following is an entry in ClinVar:

ClinVar aggregate classification (germline): Uncertain significance (1 of 4 stars; one submission).

gnomAD v4.1: 4 of 1,510,934 alleles (0.00026%); highest among the groups gnomAD compares: Non-Finnish European, 0.00036%; no homozygotes.

Submission:

Labcorp Genetics (formerly Invitae), Labcorp
Classification: Uncertain significance. Last evaluated: 2023-09-03. Review status: criteria provided, single submitter. Criteria: Invitae Variant Classification Sherloc (09022015). Collection method: clinical testing. Allele origin: germline.
Comment: An algorithm developed to predict the effect of missense changes on protein structure and function (PolyPhen-2) suggests that this variant is likely to be disruptive. In summary, the available evidence is currently insufficient to determine the role of this variant in disease. Therefore, it has been classified as a Variant of Uncertain Significance. This variant has not been reported in the literature in individuals affected with TNNI3K-related conditions. This variant is present in population databases (no rsID available, gnomAD 0.0009%). This sequence change replaces proline, which is neutral and non-polar, with glutamine, which is neutral and polar, at codon 8 of the TNNI3K protein (p.Pro8Gln).

NM_015978.3(TNNI3K):c.23C>A (p.Pro8Gln)

Genes: FPGT-TNNI3K (FPGT-TNNI3K readthrough; plus strand), TNNI3K (TNNI3 interacting kinase; plus strand). Cytogenetic location: 1p31.1.
Variant type: single nucleotide variant.
Coding change: c.23C>A on transcript NM_015978.3 (MANE Select); coding-DNA position 23, C replaced by A.
Protein change: p.Pro8Gln; replaces proline 8 with glutamine.
Molecular consequence: missense variant. On other transcripts: intron variant (2).
Genome position (GRCh38, 1-based): chr1:74,235,474, C>A. VCF-style: chr1-74235474-C-A. GRCh37 (hg19) VCF-style: chr1-74701158-C-A.
Other names: c.344-628C>A (NM_001112808.3, NM_001199327.2); short protein forms P8Q.
Identifiers: ClinVar variation 2757644 (VCV002757644.3), dbSNP rs756332135, ClinGen allele CA340786805.